The following is an entry in ClinVar:

NM_000516.7(GNAS):c.531-1143G>A

Genes: GNAS (GNAS complex locus; plus strand), LOC130066270 (ATAC-STARR-seq lymphoblastoid active region 18180; plus strand). Cytogenetic location: 20q13.32.
Variant type: single nucleotide variant.
Coding change: c.531-1143G>A on transcript NM_000516.7 (MANE Select); 1143 bases into the intron before coding-DNA position 531, G replaced by A.
Molecular consequence: intron variant.
Genome position (GRCh38, 1-based): chr20:58,908,019, G>A. VCF-style: chr20-58908019-G-A. GRCh37 (hg19) VCF-style: chr20-57483074-G-A.
Other names: c.*437-1143G>A (NM_016592.5); c.435-1143G>A (NM_001410912.1); c.354-1143G>A (NM_001309861.2, NM_001309840.2); c.*392-1143G>A (NM_001077490.3); c.2460-1143G>A (NM_080425.4); c.2415-1143G>A (NM_001410913.1); c.534-1143G>A (NM_001077488.5); c.489-1143G>A (NM_080426.4); and 1 more.
Identifiers: ClinVar variation 2652450 (VCV002652450.24), dbSNP rs560342503, ClinGen allele CA316338696.

ClinVar aggregate classification (germline): Likely benign (1 of 4 stars; one submission).

Allele frequency attached by ClinVar (database versions not stated): 1000 Genomes Project 30x 0.00031; 1000 Genomes Project 0.00040; gnomAD 0.00080; TOPMed 0.00087.
gnomAD v4.1: 123 of 152,356 alleles (0.081%); highest among the groups gnomAD compares: Non-Finnish European, 0.14%; no homozygotes.

Submission:

CeGaT Center for Human Genetics Tuebingen
Classification: Likely benign. Last evaluated: 2026-09-01. Review status: criteria provided, single submitter. Criteria: CeGaT Center For Human Genetics Tuebingen Variant Classification Criteria Version 2. Collection method: clinical testing. Allele origin: germline. Affected: yes. Observed: 7 variant alleles.
Comment: GNAS: BS1